The following is an entry in ClinVar:

ClinVar aggregate classification (germline): Uncertain significance (1 of 4 stars; one submission).

Conditions:
Autosomal dominant nonsyndromic hearing loss 1. Also called: KONIGSMARK SYNDROME; DEAFNESS, AUTOSOMAL DOMINANT 1, WITH OR WITHOUT THROMBOCYTOPENIA. Identifiers: Orphanet 90635, MedGen C1852282, MONDO:0007424, OMIM 124900.
Progressive microcephaly-seizures-cortical blindness-developmental delay syndrome. Also called: Seizures, cortical blindness, and microcephaly syndrome. Identifiers: Orphanet 477814, MedGen C5567650, MONDO:0014714, OMIM 616632.

Submission:

Labcorp Genetics (formerly Invitae), Labcorp
Classification: Uncertain significance for Progressive microcephaly-seizures-cortical blindness-developmental delay syndrome; Autosomal dominant nonsyndromic hearing loss 1. Last evaluated: 2023-03-08. Review status: criteria provided, single submitter. Criteria: Invitae Variant Classification Sherloc (09022015). Collection method: clinical testing. Allele origin: germline.
Comment: This variant is not present in population databases (gnomAD no frequency). This variant has not been reported in the literature in individuals affected with DIAPH1-related conditions. Experimental studies and prediction algorithms are not available or were not evaluated, and the functional significance of this variant is currently unknown. In summary, the available evidence is currently insufficient to determine the role of this variant in disease. Therefore, it has been classified as a Variant of Uncertain Significance. This sequence change replaces glycine, which is neutral and non-polar, with cysteine, which is neutral and slightly polar, at codon 660 of the DIAPH1 protein (p.Gly660Cys).

NM_005219.5(DIAPH1):c.1978G>T (p.Gly660Cys)

Gene: DIAPH1 (diaphanous related formin 1; minus strand). Cytogenetic location: 5q31.3.
Variant type: single nucleotide variant.
Coding change: c.1978G>T on transcript NM_005219.5 (MANE Select); coding-DNA position 1978, G replaced by T.
Protein change: p.Gly660Cys; replaces glycine 660 with cysteine.
Molecular consequence: missense variant.
Genome position (GRCh38, 1-based): chr5:141,573,872, C>A on the plus strand (G>T on the coding strand, the complement: DIAPH1 is on the minus strand). VCF-style: chr5-141573872-C-A. GRCh37 (hg19) VCF-style: chr5-140953439-C-A.
Other names: c.1951G>T, p.Gly651Cys (NM_001079812.3); c.1978G>T, p.Gly660Cys (NM_001314007.2); short protein forms G651C, G660C.
Identifiers: ClinVar variation 2945071 (VCV002945071.3), dbSNP rs2513740640, ClinGen allele CA361519540.